The following is an entry in ClinVar:

NM_133497.4(KCNV2):c.1129C>A (p.Arg377Ser)

Gene: KCNV2 (potassium voltage-gated channel modifier subfamily V member 2; plus strand). Cytogenetic location: 9p24.2.
Variant type: single nucleotide variant.
Coding change: c.1129C>A on transcript NM_133497.4 (MANE Select); coding-DNA position 1129, C replaced by A.
Protein change: p.Arg377Ser; replaces arginine 377 with serine.
Molecular consequence: missense variant.
Genome position (GRCh38, 1-based): chr9:2,718,868, C>A. VCF-style: chr9-2718868-C-A. GRCh37 (hg19) VCF-style: chr9-2718868-C-A.
Other names: short protein forms R377S.
Identifiers: ClinVar variation 1449375 (VCV001449375.6), dbSNP rs143664586, ClinGen allele CA4965773.
Genomic context (GRCh38, chr9:2,718,868, plus strand): 5'-GGCGAGGGCCACCAACGCGGCCAGACGGTGGGCAGCGTGGGTAAGGTGGGTCAGGTGTTG[C>A]GCGTCATGCGCCTCATGCGCATCTTCCGCATCCTCAAGCTGGCGCGCCACTCCACCGGAC-3'
Protein context (NP_598004.1, residues 367-387): GSVGKVGQVL[Arg377Ser]VMRLMRIFRI

ClinVar aggregate classification (germline): Uncertain significance (1 of 4 stars; one submission).

Allele frequency attached by ClinVar (database versions not stated): 1000 Genomes Project 0.00020; 1000 Genomes Project 30x 0.00062.
gnomAD v4.1: 2 of 1,608,874 alleles (0.00012%); highest among the groups gnomAD compares: Admixed American, 0.0017%; no homozygotes.

Submission:

Labcorp Genetics (formerly Invitae), Labcorp
Classification: Uncertain significance. Last evaluated: 2021-08-12. Review status: criteria provided, single submitter. Criteria: Invitae Variant Classification Sherloc (09022015). Collection method: clinical testing. Allele origin: germline.
Comment: In summary, the available evidence is currently insufficient to determine the role of this variant in disease. Therefore, it has been classified as a Variant of Uncertain Significance. Algorithms developed to predict the effect of missense changes on protein structure and function (SIFT, PolyPhen-2, Align-GVGD) all suggest that this variant is likely to be disruptive. This variant has not been reported in the literature in individuals affected with KCNV2-related conditions. This variant is present in population databases (rs143664586, ExAC 0.009%). This sequence change replaces arginine with serine at codon 377 of the KCNV2 protein (p.Arg377Ser). The arginine residue is highly conserved and there is a moderate physicochemical difference between arginine and serine.